The following is an entry in ClinVar:

ClinVar aggregate classification (germline): Uncertain significance. Review status: criteria provided, multiple submitters, no conflicts (2 of 4 stars). 2 submissions from 2 submitters: Uncertain significance (2). Last evaluated 2022-10-13.

Conditions:
Hereditary spastic paraplegia 39 (SPG39). Also called: SPASTIC PARAPLEGIA 39, AUTOSOMAL RECESSIVE; Spastic Paraplegia Type 39 (SPG39). Identifiers: Orphanet 139480, MedGen C2677586, MONDO:0012787, OMIM 612020.
Inborn genetic diseases. Identifiers: MedGen C0950123, MeSH D030342.

Allele frequency attached by ClinVar (database versions not stated): gnomAD 0.00005; gnomAD exomes 0.00005 and 0.00006; ExAC 0.00008; TOPMed 0.00009; ESP Exome Variant Server 0.00015.
gnomAD v4.1: 77 of 1,598,216 alleles (0.0048%); highest among the groups gnomAD compares: African/African-American, 0.015%; no homozygotes.

Submissions (2):

Labcorp Genetics (formerly Invitae), Labcorp
Classification: Uncertain significance for Hereditary spastic paraplegia 39. Last evaluated: 2022-10-13. Review status: criteria provided, single submitter. Criteria: Invitae Variant Classification Sherloc (09022015). Collection method: clinical testing. Allele origin: germline.
Comment: This sequence change replaces glutamic acid, which is acidic and polar, with lysine, which is basic and polar, at codon 1302 of the PNPLA6 protein (p.Glu1302Lys). This variant is present in population databases (rs376402887, gnomAD 0.05%). This variant has not been reported in the literature in individuals affected with PNPLA6-related conditions. ClinVar contains an entry for this variant (Variation ID: 942921). Algorithms developed to predict the effect of missense changes on protein structure and function (SIFT, PolyPhen-2, Align-GVGD) all suggest that this variant is likely to be tolerated. In summary, the available evidence is currently insufficient to determine the role of this variant in disease. Therefore, it has been classified as a Variant of Uncertain Significance.

Ambry Genetics
Classification: Uncertain significance for Inborn genetic diseases. Last evaluated: 2022-06-10. Review status: criteria provided, single submitter. Criteria: Ambry Variant Classification Scheme 2023. Collection method: clinical testing. Allele origin: germline.

NM_001166114.2(PNPLA6):c.4018G>A (p.Glu1340Lys)

Gene: PNPLA6 (patatin like domain 6, lysophospholipase; plus strand). Cytogenetic location: 19p13.2.
Variant type: single nucleotide variant.
Coding change: c.4018G>A on transcript NM_001166114.2 (MANE Select); coding-DNA position 4018, G replaced by A.
Protein change: p.Glu1340Lys; replaces glutamic acid 1340 with lysine.
Molecular consequence: missense variant.
Genome position (GRCh38, 1-based): chr19:7,561,312, G>A. VCF-style: chr19-7561312-G-A. GRCh37 (hg19) VCF-style: chr19-7626198-G-A.
Other names: c.4048G>A, p.Glu1350Lys (NM_001166111.2); c.3823G>A, p.Glu1275Lys (NM_001166112.2); c.3904G>A, p.Glu1302Lys (NM_001166113.1, NM_006702.5); short protein forms E1275K, E1302K, E1340K, E1350K.
Identifiers: ClinVar variation 942921 (VCV000942921.7), dbSNP rs376402887, ClinGen allele CA9140668.